The following is an entry in ClinVar:

NM_000051.4(ATM):c.6358G>T (p.Glu2120Ter)

Genes: ATM (ATM serine/threonine kinase; plus strand), C11orf65 (chromosome 11 open reading frame 65; minus strand). Cytogenetic location: 11q22.3.
Variant type: single nucleotide variant.
Coding change: c.6358G>T on transcript NM_000051.4 (MANE Select); coding-DNA position 6358, G replaced by T.
Protein change: p.Glu2120Ter; replaces glutamic acid 2120 with a stop codon.
Molecular consequence: nonsense. On other transcripts: intron variant (2).
Genome position (GRCh38, 1-based): chr11:108,319,964, G>T. VCF-style: chr11-108319964-G-T. GRCh37 (hg19) VCF-style: chr11-108190691-G-T.
Other names: c.6358G>T, p.Glu2120Ter (NM_001351834.2); c.641-10893C>A (NM_001330368.2); c.*39-10893C>A (NM_001351110.2); short protein forms E2120*.
Identifiers: ClinVar variation 4717599 (VCV004717599.1).

ClinVar aggregate classification (germline): Pathogenic (1 of 4 stars; one submission).

Conditions:
Ataxia-telangiectasia syndrome (AT). Also called: Ataxia-telangiectasia, complementation group D; AT, COMPLEMENTATION GROUP C; ATAXIA-TELANGIECTASIA, COMPLEMENTATION GROUP A; ATAXIA-TELANGIECTASIA, FRESNO VARIANT; Ataxia-telangiectasia; Ataxia-telangiectasia, complementation group E. Identifiers: Orphanet 100, MedGen C0004135, MONDO:0008840, OMIM 208900.

Submission:

Labcorp Genetics (formerly Invitae), Labcorp
Classification: Pathogenic for Ataxia-telangiectasia syndrome. Last evaluated: 2025-04-17. Review status: criteria provided, single submitter. Criteria: Invitae Variant Classification Sherloc (09022015). Collection method: clinical testing. Allele origin: germline.
Comment: This sequence change creates a premature translational stop signal (p.Glu2120*) in the ATM gene. It is expected to result in an absent or disrupted protein product. Loss-of-function variants in ATM are known to be pathogenic (PMID: 23807571, 25614872). This variant is not present in population databases (gnomAD no frequency). This variant has not been reported in the literature in individuals affected with ATM-related conditions. Algorithms developed to predict the effect of sequence changes on RNA splicing suggest that this variant may disrupt the consensus splice site. For these reasons, this variant has been classified as Pathogenic.

Literature cited by the submitters: PubMed 23807571; PubMed 25614872.